The following is an entry in ClinVar:

NM_001308068.2(FLYWCH1):c.662C>T (p.Pro221Leu)

Gene: FLYWCH1 (FLYWCH-type zinc finger 1; plus strand). Cytogenetic location: 16p13.3.
Variant type: single nucleotide variant.
Coding change: c.662C>T on transcript NM_001308068.2 (MANE Select); coding-DNA position 662, C replaced by T.
Protein change: p.Pro221Leu; replaces proline 221 with leucine.
Molecular consequence: missense variant.
Genome position (GRCh38, 1-based): chr16:2,930,746, C>T. VCF-style: chr16-2930746-C-T. GRCh37 (hg19) VCF-style: chr16-2980747-C-T.
Other names: c.659C>T, p.Pro220Leu (NM_020912.2, NM_032296.3); short protein forms P220L, P221L.
Identifiers: ClinVar variation 2646088 (VCV002646088.24), dbSNP rs201356969, ClinGen allele CA7851730.

ClinVar aggregate classification (germline): Likely benign (1 of 4 stars; one submission).

Allele frequency attached by ClinVar (database versions not stated): 1000 Genomes Project 30x 0.00141; ESP Exome Variant Server 0.00169; 1000 Genomes Project 0.00220; TOPMed 0.00345; gnomAD 0.00351; ExAC 0.00937.

Submission:

CeGaT Center for Human Genetics Tuebingen
Classification: Likely benign. Last evaluated: 2023-04-01. Review status: criteria provided, single submitter. Criteria: CeGaT Center For Human Genetics Tuebingen Variant Classification Criteria Version 2. Collection method: clinical testing. Allele origin: germline. Affected: yes. Observed: 2 variant alleles.
Comment: FLYWCH1: BP4, BS2